The following is an entry in ClinVar:

NM_001267550.2(TTN):c.3939del (p.Met1314fs)

Genes: TTN (titin; minus strand), LOC101927055 (uncharacterized LOC101927055; plus strand). Cytogenetic location: 2q31.2.
Variant type: Deletion.
Coding change: c.3939del on transcript NM_001267550.2 (MANE Select); coding-DNA position 3939, one base deleted (G; older notation c.3939delG).
Protein change: p.Met1314fs; shifts the reading frame from methionine 1314.
Molecular consequence: frameshift variant.
Genome position (GRCh38, 1-based): chr2:178,779,253, C deleted on the plus strand (G on the coding strand, the reverse complement: TTN is on the minus strand). VCF-style (leftmost placement, unchanged base first): chr2-178779252-TC-T. GRCh37 (hg19) VCF-style: chr2-179643979-TC-T.
Other names: c.3939del, p.Met1314fs (NM_001256850.1, NM_133378.4, NM_133379.5); c.3801del, p.Met1268fs (NM_003319.4, NM_133432.3, NM_133437.4); c.3801delG (NM_003319.4); short protein forms M1268fs, M1314fs.
Identifiers: ClinVar variation 3223254 (VCV003223254.2), dbSNP rs2533093966, ClinGen allele CA2825001051.

ClinVar aggregate classification (germline): Likely pathogenic (1 of 4 stars; one submission).

Conditions:
Cardiovascular phenotype. Identifiers: MedGen CN230736.

Submission:

Ambry Genetics
Classification: Likely pathogenic for Cardiovascular phenotype. Last evaluated: 2025-02-25. Review status: criteria provided, single submitter. Criteria: Ambry Variant Classification Scheme 2023. Collection method: clinical testing. Allele origin: germline.
Comment: The c.3801delG variant, located in coding exon 21 of the TTN gene, results from a deletion of one nucleotide at nucleotide position 3801, causing a translational frameshift with a predicted alternate stop codon (p.M1268Cfs*83). This exon is located in the near Z-disk region of the N2-B isoform of the titin protein and is constitutively expressed in TTN transcripts (percent spliced in or PSI 100%). This variant is considered to be rare based on population cohorts in the Genome Aggregation Database (gnomAD). This variant is expected to result in loss of function by premature protein truncation or nonsense-mediated mRNA decay. While truncating variants in TTN are present in 1-3% of the general population, truncating variants in the A-band are the most common cause of dilated cardiomyopathy (Herman DS et al. N. Engl. J. Med., 2012 Feb;366:619-28; Roberts AM et al. Sci Transl Med, 2015 Jan;7:270ra6). TTN truncating variants encoded in constitutive exons (PSI >90%) have been found to be significantly associated with DCM regardless of their position in titin (Schafer S et al. Nat. Genet., 2017 01;49:46-53; Akhtar MM et al. Circ Heart Fail, 2020 Oct;13:e006832; Massier M et al. Clin Genet, 2025 Jan). Based on the majority of available evidence to date, this variant is likely to be pathogenic.